The following is an entry in ClinVar:

ClinVar aggregate classification (germline): Uncertain significance. Review status: criteria provided, multiple submitters, no conflicts (2 of 4 stars). 5 submissions from 5 submitters: Uncertain significance (5). Last evaluated 2025-05-22.

Conditions:
Classic or attenuated familial adenomatous polyposis. Identifiers: MedGen CN372698, MONDO:0021057.
Hereditary cancer-predisposing syndrome. Also called: Neoplastic Syndromes, Hereditary; Tumor predisposition; Hereditary Cancer Syndrome; Hereditary neoplastic syndrome. Identifiers: Orphanet 140162, MedGen C0027672, MeSH D009386, MONDO:0015356.
Familial adenomatous polyposis 1 (FAP1). Also called: POLYPOSIS, ADENOMATOUS INTESTINAL; FAMILIAL ADENOMATOUS POLYPOSIS 1, ATTENUATED. Identifiers: MedGen C2713442, MONDO:0021056, OMIM 175100. Disease mechanism: loss of function.

Allele frequency attached by ClinVar (database versions not stated): gnomAD exomes below 0.00001; gnomAD 0.00001; TOPMed 0.00002.
gnomAD v4.1: 2 of 1,612,344 alleles (0.00012%); highest among the groups gnomAD compares: African/African-American, 0.0013%; no homozygotes.

Submissions (5):

Ambry Genetics
Classification: Uncertain significance for Hereditary cancer-predisposing syndrome. Last evaluated: 2025-05-22. Review status: criteria provided, single submitter. Criteria: Ambry Variant Classification Scheme 2023. Collection method: clinical testing. Allele origin: germline.
Comment: The p.D227G variant (also known as c.680A>G), located in coding exon 6 of the APC gene, results from an A to G substitution at nucleotide position 680. The aspartic acid at codon 227 is replaced by glycine, an amino acid with similar properties. This variant has been observed in at least one individual with a personal and/or family history that is consistent with APC-associated polyposis conditions (Ambry internal data). This amino acid position is highly conserved in available vertebrate species. In addition, in silico predictors for this gene do not accurately predict pathogenicity. Missense alterations in APC are not a common cause of disease (Spier I et al. Genet Med. 2024 Feb;26(2):100992). Based on the available evidence, the clinical significance of this variant remains unclear.

Labcorp Genetics (formerly Invitae), Labcorp
Classification: Uncertain significance for Familial adenomatous polyposis 1. Last evaluated: 2024-06-04. Review status: criteria provided, single submitter. Criteria: Invitae Variant Classification Sherloc (09022015). Collection method: clinical testing. Allele origin: germline.
Comment: This sequence change replaces aspartic acid, which is acidic and polar, with glycine, which is neutral and non-polar, at codon 227 of the APC protein (p.Asp227Gly). This variant is not present in population databases (gnomAD no frequency). This variant has not been reported in the literature in individuals affected with APC-related conditions. ClinVar contains an entry for this variant (Variation ID: 653898). Advanced modeling of protein sequence and biophysical properties (such as structural, functional, and spatial information, amino acid conservation, physicochemical variation, residue mobility, and thermodynamic stability) performed at Invitae indicates that this missense variant is not expected to disrupt APC protein function with a negative predictive value of 95%. In summary, the available evidence is currently insufficient to determine the role of this variant in disease. Therefore, it has been classified as a Variant of Uncertain Significance.

Baylor Genetics
Classification: Uncertain significance for Familial adenomatous polyposis 1. Last evaluated: 2024-02-23. Review status: criteria provided, single submitter. Criteria: ACMG Guidelines, 2015. Collection method: clinical testing. Allele origin: unknown.

All of Us Research Program, National Institutes of Health
Classification: Uncertain significance for Classic or attenuated familial adenomatous polyposis. Last evaluated: 2023-12-13. Review status: criteria provided, single submitter. Criteria: ACMG Guidelines, 2015. Collection method: clinical testing. Allele origin: germline. Inheritance: Autosomal dominant inheritance. Observed: 2 variant alleles, 2 heterozygotes.
Comment: This missense variant replaces aspartic acid with glycine at codon 227 of the APC protein. Computational prediction is inconclusive regarding the impact of this variant on protein structure and function (internally defined REVEL score threshold 0.5 < inconclusive < 0.7, PMID: 27666373). To our knowledge, functional studies have not been reported for this variant. This variant has not been reported in individuals affected with hereditary cancer in the literature. This variant has not been identified in the general population by the Genome Aggregation Database (gnomAD). The available evidence is insufficient to determine the role of this variant in disease conclusively. Therefore, this variant is classified as a Variant of Uncertain Significance.

This study involves interpretation of variants in research participants for the purpose of population health screening. Participant phenotype was not available at the time of variant classification. Additional details can be found in publication PMID: 35346344, PMCID: PMC8962531

Color Diagnostics, LLC DBA Color Health
Classification: Uncertain significance for Hereditary cancer-predisposing syndrome. Last evaluated: 2023-11-15. Review status: criteria provided, single submitter. Criteria: ACMG Guidelines, 2015. Collection method: clinical testing. Allele origin: germline.
Comment: This missense variant replaces aspartic acid with glycine at codon 227 of the APC protein. Computational prediction suggests that this variant may have deleterious impact on protein structure and function (internally defined REVEL score threshold >= 0.7, PMID: 27666373). To our knowledge, functional studies have not been reported for this variant. This variant has not been reported in individuals affected with APC-related disorders in the literature. This variant has not been identified in the general population by the Genome Aggregation Database (gnomAD). The available evidence is insufficient to determine the role of this variant in disease conclusively. Therefore, this variant is classified as a Variant of Uncertain Significance.

NM_000038.6(APC):c.680A>G (p.Asp227Gly)

Gene: APC (APC regulator of Wnt signaling pathway; plus strand). Cytogenetic location: 5q22.2.
Variant type: single nucleotide variant.
Coding change: c.680A>G on transcript NM_000038.6 (MANE Select); coding-DNA position 680, A replaced by G.
Protein change: p.Asp227Gly; replaces aspartic acid 227 with glycine.
Molecular consequence: missense variant. On other transcripts: 5 prime UTR variant (1), intron variant (2).
Genome position (GRCh38, 1-based): chr5:112,792,480, A>G. VCF-style: chr5-112792480-A-G. GRCh37 (hg19) VCF-style: chr5-112128177-A-G.
Other names: c.680A>G, p.Asp227Gly (NM_001127510.3, NM_001354895.2, NM_001354896.2 and 1 more transcripts); c.710A>G, p.Asp237Gly (NM_001354897.2, NM_001354902.2); c.605A>G, p.Asp202Gly (NM_001354898.2, NM_001354904.2); c.503A>G, p.Asp168Gly (NM_001354900.2, NM_001354901.2, NM_001354905.2); c.-356A>G (NM_001354906.2); c.676-8799A>G (NM_001127511.3); c.646-8799A>G (NM_001354899.2); short protein forms D168G, D202G, D227G, D237G.
Identifiers: ClinVar variation 653898 (VCV000653898.20), dbSNP rs975710261, ClinGen allele CA16022825.